The following is an entry in ClinVar:

NM_001166108.2(PALLD):c.2122A>G (p.Met708Val)

Genes: CBR4 (carbonyl reductase 4; minus strand), PALLD (palladin, cytoskeletal associated protein; plus strand). Cytogenetic location: 4q32.3.
Variant type: single nucleotide variant.
Coding change: c.2122A>G on transcript NM_001166108.2 (MANE Select); coding-DNA position 2122, A replaced by G.
Protein change: p.Met708Val; replaces methionine 708 with valine.
Molecular consequence: missense variant. On other transcripts: initiator codon variant (4).
Genome position (GRCh38, 1-based): chr4:168,894,600, A>G. VCF-style: chr4-168894600-A-G. GRCh37 (hg19) VCF-style: chr4-169815751-A-G.
Other names: c.976A>G, p.Met326Val (NM_001166109.2); c.661A>G, p.Met221Val (NM_001166110.2); c.1A>G, p.Met1Val (NM_001367567.1, NM_001367568.1, NM_001367569.1 and 1 more transcripts); c.2122A>G, p.Met708Val (NM_016081.4); short protein forms M1V, M221V, M326V, M708V.
Identifiers: ClinVar variation 3885308 (VCV003885308.1).

ClinVar aggregate classification (germline): Uncertain significance (1 of 4 stars; one submission).

Submission:

Ambry Genetics
Classification: Uncertain significance. Last evaluated: 2025-01-14. Review status: criteria provided, single submitter. Criteria: Ambry Variant Classification Scheme 2023. Collection method: clinical testing. Allele origin: germline.
Comment: The p.M221V variant (also known as c.661A>G), located in coding exon 3 of the PALLD gene, results from an A to G substitution at nucleotide position 661. The methionine at codon 221 is replaced by valine, an amino acid with highly similar properties. This amino acid position is conserved. In addition, the in silico prediction for this alteration is inconclusive. Based on the available evidence, the clinical significance of this variant remains unclear.